The following is an entry in ClinVar:

NM_014874.4(MFN2):c.2147C>T (p.Ala716Val)

Gene: MFN2 (mitofusin 2; plus strand). Cytogenetic location: 1p36.22.
Variant type: single nucleotide variant.
Coding change: c.2147C>T on transcript NM_014874.4 (MANE Select); coding-DNA position 2147, C replaced by T.
Protein change: p.Ala716Val; replaces alanine 716 with valine.
Molecular consequence: missense variant.
Genome position (GRCh38, 1-based): chr1:12,009,669, C>T. VCF-style: chr1-12009669-C-T. GRCh37 (hg19) VCF-style: chr1-12069726-C-T.
Other names: c.2147C>T, p.Ala716Val (NM_001127660.2); short protein forms A716V.
Identifiers: ClinVar variation 1519303 (VCV001519303.9), dbSNP rs771589792, ClinGen allele CA599344.
Genomic context (GRCh38, chr1:12,009,669, plus strand): 5'-TTGCTCATCTGTGTCAGCAAGTTGACGTCACCCGGGAGAACCTGGAGCAGGAAATTGCCG[C>T]CATGAACAAGAAAATTGAGGTTCTTGACTCACTTCAGAGCAAAGCAAAGCTGCTCAGGTG-3'
Protein context (NP_055689.1, residues 706-726): TRENLEQEIA[Ala716Val]MNKKIEVLDS

ClinVar aggregate classification (germline): Uncertain significance. Review status: criteria provided, multiple submitters, no conflicts (2 of 4 stars). 2 submissions from 2 submitters: Uncertain significance (2). Last evaluated 2024-09-22.

Conditions:
Charcot-Marie-Tooth disease, axonal, autosomal recessive, type 2a2b;. Also called: Charcot-Marie-Tooth disease, axonal, autosomal recessive, type 2A2B; Charcot-Marie-Tooth disease, axonal, type 2A2B. Identifiers: MedGen C4310725, MONDO:0014906, OMIM 617087.
Neuropathy, hereditary motor and sensory, type 6A (HMSN6A). Also called: NEUROPATHY, HEREDITARY MOTOR AND SENSORY, TYPE VIA; HMSN VIA; CHARCOT-MARIE-TOOTH DISEASE, TYPE 6A; NEUROPATHY, HEREDITARY MOTOR AND SENSORY, TYPE VIA, WITH OPTIC ATROPHY. Identifiers: MedGen CN305336, MONDO:0011002, OMIM 601152.
Charcot-Marie-Tooth disease type 2A2. Also called: CHARCOT-MARIE-TOOTH DISEASE, AXONAL, TYPE 2A2; CHARCOT-MARIE-TOOTH DISEASE, NEURONAL, TYPE 2A2; HEREDITARY MOTOR AND SENSORY NEUROPATHY IIA2; HMSN IIA2; Charcot-Marie-Tooth Neuropathy Type 2A2; CHARCOT-MARIE-TOOTH DISEASE, AXONAL, AUTOSOMAL DOMINANT, TYPE 2A2A. Identifiers: Orphanet 99947, MedGen C4721887, MONDO:0012231, OMIM 609260.
Charcot-Marie-Tooth disease type 2. Also called: Charcot-Marie-Tooth type 2. Identifiers: Orphanet 64746, MedGen C0270914, MONDO:0018993.

Allele frequency attached by ClinVar (database versions not stated): ExAC 0.00001; gnomAD 0.00001; gnomAD exomes below 0.00001 and 0.00002; TOPMed 0.00001.
gnomAD v4.1: 6 of 1,614,098 alleles (0.00037%); highest among the groups gnomAD compares: East Asian, 0.013%; no homozygotes.

Submissions (2):

Labcorp Genetics (formerly Invitae), Labcorp
Classification: Uncertain significance for Charcot-Marie-Tooth disease type 2. Last evaluated: 2024-09-22. Review status: criteria provided, single submitter. Criteria: Invitae Variant Classification Sherloc (09022015). Collection method: clinical testing. Allele origin: germline.
Comment: This sequence change replaces alanine, which is neutral and non-polar, with valine, which is neutral and non-polar, at codon 716 of the MFN2 protein (p.Ala716Val). This variant is present in population databases (rs771589792, gnomAD 0.03%). This missense change has been observed in individuals with autosomal dominant Charcot-Marie-Tooth disease and/or clinical features of MFN2-related conditions (PMID: 20350294, 21508331, 33415332, 33841295). It has also been observed to segregate with disease in related individuals. ClinVar contains an entry for this variant (Variation ID: 1519303). Invitae Evidence Modeling of protein sequence and biophysical properties (such as structural, functional, and spatial information, amino acid conservation, physicochemical variation, residue mobility, and thermodynamic stability) has been performed for this missense variant. However, the output from this modeling did not meet the statistical confidence thresholds required to predict the impact of this variant on MFN2 protein function. In summary, the available evidence is currently insufficient to determine the role of this variant in disease. Therefore, it has been classified as a Variant of Uncertain Significance.

Kariminejad - Najmabadi Pathology & Genetics Center
Classification: Uncertain significance for Charcot-Marie-Tooth disease type 2A2; Charcot-Marie-Tooth disease, axonal, autosomal recessive, type 2a2b;; Neuropathy, hereditary motor and sensory, type 6A. Last evaluated: 2023-10-31. Review status: criteria provided, single submitter. Criteria: ACMG Guidelines, 2015. Collection method: clinical testing. Allele origin: germline. Inheritance: Autosomal dominant inheritance. Affected: yes.
Comment: PM2 ,PP2

Literature cited by the submitters: PubMed 20350294 (cited by Labcorp Genetics (formerly Invitae), Labcorp); PubMed 21508331 (cited by Labcorp Genetics (formerly Invitae), Labcorp); PubMed 33415332 (cited by Labcorp Genetics (formerly Invitae), Labcorp); PubMed 33841295 (cited by Labcorp Genetics (formerly Invitae), Labcorp).